The following is an entry in ClinVar:

NM_001170629.2(CHD8):c.6404G>A (p.Gly2135Glu)

Gene: CHD8 (chromodomain helicase DNA binding protein 8; minus strand). Cytogenetic location: 14q11.2.
Variant type: single nucleotide variant.
Coding change: c.6404G>A on transcript NM_001170629.2 (MANE Select); coding-DNA position 6404, G replaced by A.
Protein change: p.Gly2135Glu; replaces glycine 2135 with glutamic acid.
Molecular consequence: missense variant.
Genome position (GRCh38, 1-based): chr14:21,393,170, C>T on the plus strand (G>A on the coding strand, the complement: CHD8 is on the minus strand). VCF-style: chr14-21393170-C-T. GRCh37 (hg19) VCF-style: chr14-21861329-C-T.
Other names: c.5567G>A, p.Gly1856Glu (NM_020920.4); short protein forms G2135E, G1856E.
Identifiers: ClinVar variation 2759229 (VCV002759229.3), dbSNP rs2501853419, ClinGen allele CA388879255.
Genomic context (GRCh38, chr14:21,393,170, plus strand): 5'-GGCCACTCAGAGGCTCTTTGTCTTTCCTGCAGTAGCAGAAGCTCAGGGGTCATTTGTTCT[C>T]CATCTTCATTTGGGAATCCATCTTGGGACATAGTGAGGGACAGGAGACTCTCTTCATCAT-3'
Protein context (NP_001164100.1, residues 2125-2145): MSQDGFPNED[Gly2135Glu]EQMTPELLLL

ClinVar aggregate classification (germline): Uncertain significance (1 of 4 stars; one submission).

Allele frequency attached by ClinVar (database versions not stated): gnomAD exomes below 0.00001.

Submission:

Labcorp Genetics (formerly Invitae), Labcorp
Classification: Uncertain significance. Last evaluated: 2023-09-09. Review status: criteria provided, single submitter. Criteria: Invitae Variant Classification Sherloc (09022015). Collection method: clinical testing. Allele origin: germline.
Comment: In summary, the available evidence is currently insufficient to determine the role of this variant in disease. Therefore, it has been classified as a Variant of Uncertain Significance. Advanced modeling of protein sequence and biophysical properties (such as structural, functional, and spatial information, amino acid conservation, physicochemical variation, residue mobility, and thermodynamic stability) performed at Invitae indicates that this missense variant is not expected to disrupt CHD8 protein function. This variant has not been reported in the literature in individuals affected with CHD8-related conditions. This variant is not present in population databases (gnomAD no frequency). This sequence change replaces glycine, which is neutral and non-polar, with glutamic acid, which is acidic and polar, at codon 2135 of the CHD8 protein (p.Gly2135Glu).